The following is an entry in ClinVar:

ClinVar aggregate classification (germline): Likely benign (0 of 4 stars; one submission).

Conditions:
OXA1L-related disorder. Also called: OXA1L-related condition.

Allele frequency attached by ClinVar (database versions not stated): ESP Exome Variant Server 0.00031; gnomAD 0.00049; 1000 Genomes Project 0.00060; TOPMed 0.00061; 1000 Genomes Project 30x 0.00062; ExAC 0.00074.
gnomAD v4.1: 953 of 1,588,142 alleles (0.06%); highest among the groups gnomAD compares: Middle Eastern, 0.15%; 1 homozygote.

Submission:

PreventionGenetics, part of Exact Sciences
Classification: Likely benign for OXA1L-related condition. Last evaluated: 2023-08-16. Review status: no assertion criteria provided. Collection method: clinical testing. Allele origin: germline.
Comment: This variant is classified as likely benign based on ACMG/AMP sequence variant interpretation guidelines (Richards et al. 2015 PMID: 25741868, with internal and published modifications).

NM_005015.5(OXA1L):c.225+8G>C

Gene: OXA1L (OXA1L mitochondrial inner membrane insertase; plus strand). Cytogenetic location: 14q11.2.
Variant type: single nucleotide variant.
Coding change: c.225+8G>C on transcript NM_005015.5 (MANE Select); 8 bases into the intron after coding-DNA position 225, G replaced by C.
Molecular consequence: intron variant.
Genome position (GRCh38, 1-based): chr14:22,767,417, G>C. VCF-style: chr14-22767417-G-C. GRCh37 (hg19) VCF-style: chr14-23236626-G-C.
Identifiers: ClinVar variation 3052047 (VCV003052047.2), dbSNP rs75618032, ClinGen allele CA7103912.